The following is an entry in ClinVar:

NM_144670.4(A2ML1):c.-433T>C

Genes: A2ML1 (alpha-2-macroglobulin like 1; plus strand), A2ML1-AS1 (A2ML1 antisense RNA 1; minus strand). Cytogenetic location: 12p13.31.
Variant type: single nucleotide variant.
Coding change: c.-433T>C on transcript NM_144670.4; 433 bases upstream of the start codon, T replaced by C.
Genome position (GRCh38, 1-based): chr12:8,822,219, T>C. VCF-style: chr12-8822219-T-C. GRCh37 (hg19) VCF-style: chr12-8974815-T-C.
Identifiers: ClinVar variation 561801 (VCV000561801.3), dbSNP rs11047432, ClinGen allele CA13681803.

ClinVar aggregate classification (germline): Benign (1 of 4 stars; one submission).

Allele frequency attached by ClinVar (database versions not stated): TOPMed 0.31908; gnomAD 0.31942 and 0.32560; 1000 Genomes Project 30x 0.40037; 1000 Genomes Project 0.40855.

Submission:

GeneDx
Classification: Benign. Last evaluated: 2018-06-14. Review status: criteria provided, single submitter. Criteria: GeneDx Variant Classification (06012015). Collection method: clinical testing. Allele origin: germline. Affected: yes.
Comment: This variant is considered likely benign or benign based on one or more of the following criteria: it is a conservative change, it occurs at a poorly conserved position in the protein, it is predicted to be benign by multiple in silico algorithms, and/or has population frequency not consistent with disease.